The following is an entry in ClinVar:

NM_013275.6(ANKRD11):c.6792dup (p.Ala2265fs)

Gene: ANKRD11 (ankyrin repeat domain 11; minus strand). Cytogenetic location: 16q24.3.
Variant type: Duplication.
Coding change: c.6792dup on transcript NM_013275.6 (MANE Select); coding-DNA position 6792, one base duplicated (C; older notation c.6792dupC).
Protein change: p.Ala2265fs; shifts the reading frame from alanine 2265.
Molecular consequence: frameshift variant.
Genome position (GRCh38, 1-based): chr16:89,279,750, G duplicated on the plus strand (C on the coding strand, the reverse complement: ANKRD11 is on the minus strand); the first of 7 consecutive G bases (chr16:89,279,750-89,279,756); duplicating any one gives the same sequence. VCF-style (leftmost placement, unchanged base first): chr16-89279749-C-CG. GRCh37 (hg19) VCF-style: chr16-89346157-C-CG.
Other names: NP_037407.4:p.(Ala2265ArgfsTer8); c.6792dup, p.Ala2265fs (NM_001256182.2, NM_001256183.2); c.6792dup (NM_013275.4); short protein forms A2265fs.
Identifiers: ClinVar variation 521294 (VCV000521294.27), dbSNP rs878855327, ClinGen allele CA624452354.

ClinVar aggregate classification (germline): Pathogenic. Review status: criteria provided, multiple submitters, no conflicts (2 of 4 stars). 15 submissions from 15 submitters: Pathogenic (12). 3 of the submissions do not count toward it. Last evaluated 2026-07-05.

Conditions:
Rare genetic intellectual disability. Identifiers: Orphanet 183757, MedGen C5680527.
Epilepsy. Also called: Seizure disorder. Identifiers: MedGen C0014544, MeSH D004827, MONDO:0005027.
Paediatric disorders.
Inborn genetic diseases. Identifiers: MedGen C0950123, MeSH D030342.
ANKRD11-related disorder. Also called: ANKRD11-related condition.
KBG syndrome (KBGS). Also called: ANKRD11-Related KBG Syndrome. Identifiers: Orphanet 2332, MedGen C0220687, MONDO:0007846, OMIM 148050.

Submissions (15):

Umrani?ye Training and Research Hospital
Classification: Pathogenic for KBG syndrome. Last evaluated: 2026-07-05. Review status: criteria provided, single submitter. Criteria: ACMG Guidelines, 2015. Collection method: clinical testing. Allele origin: germline. Inheritance: Autosomal dominant inheritance. Affected: yes.
Comment: PVS1, PM2

North West Genomic Laboratory Hub, Manchester University NHS Foundation Trust
Classification: Pathogenic for Paediatric disorders. Last evaluated: 2025-09-15. Review status: criteria provided, single submitter. Criteria: ACGS Best Practice Guidelines for Variant Classification in Rare Disease 2024. Collection method: clinical testing. Allele origin: germline. Affected: yes.
Comment: PS4_Mod PM2_Mod PS2_VStr PVS1_VStr

Clinical Genetics Laboratory, Skane University Hospital Lund
Classification: Pathogenic for Epilepsy. Last evaluated: 2025-06-18. Review status: criteria provided, single submitter. Criteria: ACMG Guidelines, 2015. Collection method: clinical testing. Allele origin: germline. Affected: yes.
Comment: ACMG criteria applied: PVS1, PS4, PM2

Dasa
Classification: Pathogenic. Last evaluated: 2024-12-27. Review status: criteria provided, single submitter. Criteria: DASA Assertion Criteria. Collection method: clinical testing. Allele origin: germline.
Comment: NM_013275.6(ANKRD11):c.6792dup (p.Ala2265Argfs*8) is a frameshift variant in ANKRD11 predicted to alter the reading frame and introduce a premature termination codon and is predicted to result in an absent or altered protein product. Loss of function is an established disease mechanism for ANKRD11 (PMID: 21782149; PMID: 35330407; PMID: 28422132). This variant has been recurrently observed in individuals with ANKRD11-related disorders (PMID: 27605097; PMID: 34012832). This variant has been reported as a de novo occurrence in an affected individual (PMID: 27605097). Also, this variant is rare in population databases. Based on the currently available evidence, this variant is classified as pathogenic.

Blueprint Genetics
Classification: Pathogenic for ANKRD11-related disorders. Last evaluated: 2024-08-13. Review status: criteria provided, single submitter. Criteria: ACMG Guidelines, 2015. Collection method: clinical testing. Allele origin: germline. Affected: yes. Observed: 3 variant alleles.

Pittsburgh Clinical Genomics Laboratory, University of Pittsburgh Medical Center
Classification: Pathogenic for KBG syndrome. Last evaluated: 2024-06-13. Review status: criteria provided, single submitter. Criteria: ACMG Guidelines, 2015. Collection method: clinical testing. Allele origin: germline. Inheritance: Autosomal dominant inheritance. Affected: yes.
Comment: This sequence variant is a single nucleotide duplication (dupC) in exon 9 of 13 of the ANKRD11 gene and results in an early termination signal 8 codons downstream of the frameshift introduced at Ala2265. This variant is predicted to generate a non-functional allele through either the expression of a truncated protein or a loss of ankyrin repeat domain containing 11 expression due to nonsense mediated decay. This is a previously reported variant (ClinVar 521294) that has been observed in many individuals affected by intellectual disability, epileptic dyskinetic encephalopathy, and/or KBG syndrome (PMID: 27605097, 34012832, 36446582, 38317675). This variant is present in 3 of 123718 alleles (0.0024%) in the gnomAD population dataset. Haploinsufficiency in ANKRD11 is a known mechanism of disease (PMID: 29565525). Based upon the evidence, we consider this a pathogenic variant. ACMG Criteria: PM2, PS4, PVS1

Clinical Genomics Laboratory, Washington University in St. Louis
Classification: Pathogenic for KBG syndrome. Last evaluated: 2024-03-29. Review status: criteria provided, single submitter. Criteria: ACMG Guidelines, 2015. Collection method: clinical testing. Allele origin: germline. Affected: yes.
Comment: The ANKRD11 c.6792dup (p.Ala2265ArgfsTer8) variant has been reported as occurring de novo in at least one individual affected with KBG syndrome (Goldenberg A et al., PMID: 27605097). This variant has been reported in the ClinVar database as a germline pathogenic variant by eight submitters. This variant causes a frameshift by duplicating a single nucleotide, leading to a premature termination codon, which is predicted to lead to nonsense mediated decay. Additionally, other variants that introduce premature termination codons in this region have been described in affected individuals and are considered pathogenic (Goldenberg A et al., PMID: 27605097). Based on available information and the ACMG/AMP guidelines for variant interpretation (Richards S et al., PMID: 25741868), this variant is classified as pathogenic.

3billion
Classification: Pathogenic for KBG syndrome. Last evaluated: 2023-10-16. Review status: criteria provided, single submitter. Criteria: ACMG Guidelines, 2015. Collection method: clinical testing. Allele origin: germline. Affected: yes.
Comment: The variant is observed at an extremely low frequency in the gnomAD v2.1.1 dataset (total allele frequency: 0.002%). However, the variant quality is low and allele frequency estimates may not be reliable. Predicted Consequence/Location: Frameshift: predicted to result in a loss or disruption of normal protein function through nonsense-mediated decay (NMD) or protein truncation. Multiple pathogenic variants are reported downstream of the variant. The variant has been reported at least twice as pathogenic with clinical assertions and evidence for the classification (ClinVar ID: VCV000521294 /PMID: 27605097 /3billion dataset). Therefore, this variant is classified as Pathogenic according to the recommendation of ACMG/AMP guideline.

Labcorp Genetics (formerly Invitae), Labcorp
Classification: Pathogenic for KBG syndrome. Last evaluated: 2023-09-06. Review status: criteria provided, single submitter. Criteria: Invitae Variant Classification Sherloc (09022015). Collection method: clinical testing. Allele origin: germline.
Comment: This premature translational stop signal has been observed in individual(s) with KBG syndrome (PMID: 27605097). This sequence change creates a premature translational stop signal (p.Ala2265Argfs*8) in the ANKRD11 gene. It is expected to result in an absent or disrupted protein product. Loss-of-function variants in ANKRD11 are known to be pathogenic (PMID: 21782149, 25125236, 25413698, 25652421). The frequency data for this variant in the population databases is considered unreliable, as metrics indicate poor data quality at this position in the gnomAD database. ClinVar contains an entry for this variant (Variation ID: 521294). For these reasons, this variant has been classified as Pathogenic.

Ambry Genetics
Classification: Pathogenic for Inborn genetic diseases. Last evaluated: 2023-06-02. Review status: criteria provided, single submitter. Criteria: Ambry Variant Classification Scheme 2023. Collection method: clinical testing. Allele origin: germline.
Comment: The c.6792dupC (p.A2265Rfs*8) alteration, located in exon 9 (coding exon 7) of the ANKRD11 gene, consists of a duplication of C at position 6792, causing a translational frameshift with a predicted alternate stop codon after 8 amino acids. This alteration is expected to result in loss of function by premature protein truncation or nonsense-mediated mRNA decay. Based on data from gnomAD, the CC allele has an overall frequency of 0.002% (3/123718) total alleles studied. The highest observed frequency was 0.03% (2/6560) of Ashkenazi Jewish alleles. The ANKRD11 p.A2265Rfs*8 alteration has been reported as a de novo finding in two unrelated individuals with features of KBG syndrome (Goldenberg, 2016; Ambry internal data). Based on the available evidence, this alteration is classified as pathogenic.

GeneDx
Classification: Pathogenic. Last evaluated: 2022-08-03. Review status: criteria provided, single submitter. Criteria: GeneDx Variant Classification Process June 2021. Collection method: clinical testing. Allele origin: germline. Affected: yes.
Comment: Frameshift variant predicted to result in protein truncation or nonsense mediated decay in a gene for which loss-of-function is a known mechanism of disease; This variant is associated with the following publications: (PMID: 27605097, 34012832)

MGZ Medical Genetics Center
Classification: Pathogenic for KBG syndrome. Last evaluated: 2022-06-20. Review status: criteria provided, single submitter. Criteria: ACMG Guidelines, 2015. Collection method: clinical testing. Allele origin: germline. Affected: yes. Observed: 1 variant allele.
Comment: ACMG criteria applied: PVS1, PS4_MOD, PM6, PM2_SUP

Clinical Genetics DNA and cytogenetics Diagnostics Lab, Erasmus MC, Erasmus Medical Center
Classification: Pathogenic. Review status: no assertion criteria provided. Collection method: clinical testing. Allele origin: germline. Affected: yes. Study: VKGL Data-share Consensus. Not counted in ClinVar's aggregate classification.

Joint Genome Diagnostic Labs from Nijmegen and Maastricht, Radboudumc and MUMC+
Classification: Pathogenic. Review status: no assertion criteria provided. Collection method: clinical testing. Allele origin: germline. Affected: yes. Study: VKGL Data-share Consensus. Not counted in ClinVar's aggregate classification.

Service de Génétique Moléculaire, Hôpital Robert Debré
Classification: Pathogenic for Rare genetic intellectual disability. Review status: no assertion criteria provided. Collection method: clinical testing. Allele origin: unknown. Affected: yes. Not counted in ClinVar's aggregate classification.

Literature cited by the submitters: PubMed 42808190 (cited by Umrani?ye Training and Research Hospital); PubMed 27605097 (cited by 5 submitters); PubMed 34012832 (cited by Dasa and Pittsburgh Clinical Genomics Laboratory, University of Pittsburgh Medical Center); PubMed 21782149 (cited by Dasa and Labcorp Genetics (formerly Invitae), Labcorp); PubMed 35330407 (cited by Dasa); PubMed 28422132 (cited by Dasa); PubMed 29565525 (cited by Pittsburgh Clinical Genomics Laboratory, University of Pittsburgh Medical Center); PubMed 38317675 (cited by Pittsburgh Clinical Genomics Laboratory, University of Pittsburgh Medical Center); PubMed 36446582 (cited by Pittsburgh Clinical Genomics Laboratory, University of Pittsburgh Medical Center); PubMed 25125236 (cited by Labcorp Genetics (formerly Invitae), Labcorp); PubMed 25413698 (cited by Labcorp Genetics (formerly Invitae), Labcorp); PubMed 25652421 (cited by Labcorp Genetics (formerly Invitae), Labcorp).